The following is an entry in ClinVar:

NM_001366446.1(RABGAP1L):c.1584G>A (p.Pro528=)

Gene: RABGAP1L (RAB GTPase activating protein 1 like; plus strand). Cytogenetic location: 1q25.1.
Variant type: single nucleotide variant.
Coding change: c.1584G>A on transcript NM_001366446.1 (MANE Select); coding-DNA position 1584, G replaced by A.
Protein change: p.Pro528=; no amino-acid change (proline 528 retained).
Molecular consequence: synonymous variant. On other transcripts: non-coding transcript variant (1).
Genome position (GRCh38, 1-based): chr1:174,394,019, G>A. VCF-style: chr1-174394019-G-A. GRCh37 (hg19) VCF-style: chr1-174363157-G-A.
Other names: c.1473G>A, p.Pro491= (NM_001366445.1, NM_001366447.1); c.1584G>A, p.Pro528= (NM_001366448.1, NM_014857.5); c.525G>A, p.Pro175= (NM_001366449.1).
Identifiers: ClinVar variation 4084469 (VCV004084469.8).

ClinVar aggregate classification (germline): Likely benign (1 of 4 stars; one submission).

gnomAD v4.1: 97 of 1,613,488 alleles (0.006%); highest among the groups gnomAD compares: South Asian, 0.053%; no homozygotes.

Submission:

CeGaT Center for Human Genetics Tuebingen
Classification: Likely benign. Last evaluated: 2026-05-01. Review status: criteria provided, single submitter. Criteria: CeGaT Center For Human Genetics Tuebingen Variant Classification Criteria Version 2. Collection method: clinical testing. Allele origin: germline. Affected: yes. Observed: 1 variant allele.
Comment: RABGAP1L: BP4, BP7